The following is an entry in ClinVar:

NM_015459.5(ATL3):c.710A>G (p.Gln237Arg)

Genes: ATL3 (atlastin GTPase 3; minus strand), LNCROPM (lncRNA regulator of PLAAT3 mediated phospholipid metabolism; plus strand). Cytogenetic location: 11q13.1.
Variant type: single nucleotide variant.
Coding change: c.710A>G on transcript NM_015459.5 (MANE Select); coding-DNA position 710, A replaced by G.
Protein change: p.Gln237Arg; replaces glutamine 237 with arginine.
Molecular consequence: missense variant.
Genome position (GRCh38, 1-based): chr11:63,644,170, T>C on the plus strand (A>G on the coding strand, the complement: ATL3 is on the minus strand). VCF-style: chr11-63644170-T-C. GRCh37 (hg19) VCF-style: chr11-63411642-T-C.
Other names: c.656A>G, p.Gln219Arg (NM_001290048.2); short protein forms Q219R, Q237R.
Identifiers: ClinVar variation 1014961 (VCV001014961.9), dbSNP rs200495090, ClinGen allele CA6063713.

ClinVar aggregate classification (germline): Conflicting classifications of pathogenicity. Review status: criteria provided, conflicting classifications (1 of 4 stars). 2 submissions from 2 submitters: Uncertain significance (1); Likely benign (1). Last evaluated 2024-08-24.

Conditions:
Inborn genetic diseases. Identifiers: MedGen C0950123, MeSH D030342.
Neuropathy, hereditary sensory, type 1F. Also called: HSN IF; Hereditary sensory neuropathy type IF. Identifiers: Orphanet 36386, MedGen C3810194, MONDO:0014286, OMIM 615632.

Allele frequency attached by ClinVar (database versions not stated): gnomAD exomes 0.00003 and 0.00004; 1000 Genomes Project 30x 0.00016; 1000 Genomes Project 0.00020; gnomAD 0.00001; TOPMed 0.00002; ExAC 0.00003.
gnomAD v4.1: 40 of 1,593,428 alleles (0.0025%); highest among the groups gnomAD compares: Admixed American, 0.017%; no homozygotes.

Submissions (2):

Labcorp Genetics (formerly Invitae), Labcorp
Classification: Uncertain significance for Neuropathy, hereditary sensory, type 1F. Last evaluated: 2024-08-24. Review status: criteria provided, single submitter. Criteria: Invitae Variant Classification Sherloc (09022015). Collection method: clinical testing. Allele origin: germline.
Comment: This sequence change replaces glutamine, which is neutral and polar, with arginine, which is basic and polar, at codon 237 of the ATL3 protein (p.Gln237Arg). This variant is present in population databases (rs200495090, gnomAD 0.02%). This variant has not been reported in the literature in individuals affected with ATL3-related conditions. ClinVar contains an entry for this variant (Variation ID: 1014961). An algorithm developed to predict the effect of missense changes on protein structure and function (PolyPhen-2) suggests that this variant is likely to be disruptive. In summary, the available evidence is currently insufficient to determine the role of this variant in disease. Therefore, it has been classified as a Variant of Uncertain Significance.

Ambry Genetics
Classification: Likely benign for Inborn genetic diseases. Last evaluated: 2020-02-19. Review status: criteria provided, single submitter. Criteria: Ambry Variant Classification Scheme 2023. Collection method: clinical testing. Allele origin: germline.